The following is an entry in ClinVar:

NM_001379451.1(BCORL1):c.2144G>A (p.Gly715Asp)

Gene: BCORL1 (BCL6 corepressor like 1; plus strand). Cytogenetic location: Xq26.1.
Variant type: single nucleotide variant.
Coding change: c.2144G>A on transcript NM_001379451.1 (MANE Select); coding-DNA position 2144, G replaced by A.
Protein change: p.Gly715Asp; replaces glycine 715 with aspartic acid.
Molecular consequence: missense variant.
Genome position (GRCh38, 1-based): chrX:130,014,916, G>A. VCF-style: chrX-130014916-G-A. GRCh37 (hg19) VCF-style: chrX-129148892-G-A.
Other names: p.Gly715Asp; c.2144G>A, p.Gly715Asp (NM_001184772.3, NM_001379450.1, NM_021946.5); short protein forms G715D.
Identifiers: ClinVar variation 3767299 (VCV003767299.2).
Genomic context (GRCh38, chrX:130,014,916, plus strand): 5'-GGAATGGGGACCCGAGCACCTGGGTGAAGAACTCAACTGCACTGATCAGCACCATTCCTG[G>A]CACCTACGTGGGAGTGGCCAACCCAGTGCCTGCATCCCTGCTGCTGAACAAAGACCCCAA-3'
Protein context (NP_001366380.1, residues 705-725): NSTALISTIP[Gly715Asp]TYVGVANPVP

ClinVar aggregate classification (germline): Uncertain significance (1 of 4 stars; one submission).

Conditions:
Shukla-Vernon syndrome. Identifiers: MedGen C5193146, MONDO:0026727, OMIM 301029.

Submission:

Foundation for Research in Genetics and Endocrinology, FRIGE's Institute of Human Genetics
Classification: Uncertain significance for Shukla-Vernon syndrome. Last evaluated: 2025-02-11. Review status: criteria provided, single submitter. Criteria: ACMG Guidelines, 2015. Collection method: clinical testing. Allele origin: germline. Inheritance: X-linked recessive inheritance. Affected: yes. Observed: 1 hemizygote.
Comment: A hemizygous missense variant in exon 4 of the BCORL1 gene that results in the amino acid substitution of Glycine for Aspargine at codon 715 was detected. The observed variant c.2144G>A (p.Gly715Asp) has not been reported in the 1000 genomes and has a MAF of 0.0006% and 0.0004% in gnomAD databases. The in silico prediction of the variant are possibly damaging by PolyPhen-2 (HumDiv) and damaging by SIFT and MutationTaster2. The reference codon is conserved across species. In summary, the variant meets our criteria to be classified as a variant of uncertain significance.